The following is an entry in ClinVar:

ClinVar aggregate classification (germline): Conflicting classifications of pathogenicity. Review status: criteria provided, conflicting classifications (1 of 4 stars). 7 submissions from 7 submitters: Uncertain significance (3); Likely benign (4). Last evaluated 2025-11-10.

Conditions:
Familial adenomatous polyposis 1 (FAP1). Also called: POLYPOSIS, ADENOMATOUS INTESTINAL; FAMILIAL ADENOMATOUS POLYPOSIS 1, ATTENUATED. Identifiers: MedGen C2713442, MONDO:0021056, OMIM 175100. Disease mechanism: loss of function.
Hereditary cancer-predisposing syndrome. Also called: Hereditary Cancer Syndrome; Neoplastic Syndromes, Hereditary; Tumor predisposition; Hereditary neoplastic syndrome. Identifiers: Orphanet 140162, MedGen C0027672, MeSH D009386, MONDO:0015356.

Allele frequency attached by ClinVar (database versions not stated): gnomAD exomes below 0.00001; gnomAD 0.00001; TOPMed 0.00001.
gnomAD v4.1: 5 of 1,610,124 alleles (0.00031%); highest among the groups gnomAD compares: Non-Finnish European, 0.00042%; no homozygotes.

Submissions (7):

Labcorp Genetics (formerly Invitae), Labcorp
Classification: Likely benign for Familial adenomatous polyposis 1. Last evaluated: 2025-11-10. Review status: criteria provided, single submitter. Criteria: Invitae Variant Classification Sherloc (09022015). Collection method: clinical testing. Allele origin: germline.

Color Diagnostics, LLC DBA Color Health
Classification: Uncertain significance for Hereditary cancer-predisposing syndrome. Last evaluated: 2024-07-08. Review status: criteria provided, single submitter. Criteria: ACMG Guidelines, 2015. Collection method: clinical testing. Allele origin: germline.
Comment: This variant causes a C to A nucleotide substitution at the +4 position of intron 13 of the APC gene. Splice site prediction tools suggest that this variant may not impact RNA splicing. This variant has not been reported in individuals affected with APC-related disorders in the literature. This variant has not been identified in the general population by the Genome Aggregation Database (gnomAD). The available evidence is insufficient to determine the role of this variant in disease conclusively. Therefore, this variant is classified as a Variant of Uncertain Significance.

Myriad Genetics, Inc.
Classification: Likely benign for Familial adenomatous polyposis 1. Last evaluated: 2024-03-06. Review status: criteria provided, single submitter. Criteria: Myriad Autosomal Dominant, Autosomal Recessive and X-Linked Classification Criteria (2023). Collection method: clinical testing. Allele origin: unknown.
Comment: This variant is considered likely benign. This variant is intronic and is not expected to impact mRNA splicing.

Ambry Genetics
Classification: Likely benign for Hereditary cancer-predisposing syndrome. Last evaluated: 2019-12-17. Review status: criteria provided, single submitter. Criteria: Ambry Variant Classification Scheme 2023. Collection method: clinical testing. Allele origin: germline.

GeneDx
Classification: Likely benign. Last evaluated: 2018-05-25. Review status: criteria provided, single submitter. Criteria: GeneDx Variant Classification (06012015). Collection method: clinical testing. Allele origin: germline. Affected: yes.
Comment: This variant is considered likely benign or benign based on one or more of the following criteria: it is a conservative change, it occurs at a poorly conserved position in the protein, it is predicted to be benign by multiple in silico algorithms, and/or has population frequency not consistent with disease.

Quest Diagnostics Nichols Institute San Juan Capistrano
Classification: Uncertain significance. Last evaluated: 2017-10-30. Review status: criteria provided, single submitter. Criteria: Quest Diagnostics criteria. Collection method: clinical testing. Allele origin: germline.

Women's Health and Genetics/Laboratory Corporation of America, LabCorp
Classification: Uncertain significance. Last evaluated: 2017-04-27. Review status: criteria provided, single submitter. Criteria: LabCorp Variant Classification Summary - May 2015. Collection method: clinical testing. Allele origin: germline.
Comment: Variant summary: The APC c.1626+4C>A variant involves the alteration of a non-conserved intronic nucleotide. One in silico tool predicts a damaging outcome for this variant. 3/5 splice prediction tools predict no significant impact on normal splicing. However, these predictions have yet to be confirmed by functional studies. The variant of interest is absent in a large, broad control population, ExAC in 117720 control chromosomes. The variant of interest has not, to our knowledge, been reported in affected individuals via publications and/or reputable databases/clinical diagnostic laboratories; nor evaluated for functional impact by in vivo/vitro studies. This variant is co-occurring with a likely pathogenic variant in this sample (MSH6 c.3261dupC; p.Phe1088fsX5). Because of the absence of clinical information and the lack of functional studies, the variant is classified as a variant of uncertain significance (VUS) until additional information becomes available.

NM_000038.6(APC):c.1626+4C>A

Gene: APC (APC regulator of Wnt signaling pathway; plus strand). Cytogenetic location: 5q22.2.
Variant type: single nucleotide variant.
Coding change: c.1626+4C>A on transcript NM_000038.6 (MANE Select); 4 bases into the intron after coding-DNA position 1626, C replaced by A.
Molecular consequence: intron variant.
Genome position (GRCh38, 1-based): chr5:112,828,010, C>A. VCF-style: chr5-112828010-C-A. GRCh37 (hg19) VCF-style: chr5-112163707-C-A.
Other names: c.1626+4C>A (NM_001354895.2, NM_001127510.3); c.1656+4C>A (NM_001354897.2); c.1353+4C>A (NM_001354902.2); c.1572+4C>A (NM_001127511.3); c.1551+4C>A (NM_001354898.2); c.1248+4C>A (NM_001354904.2); c.777+4C>A (NM_001354906.2); c.1680+4C>A (NM_001354896.2); and 5 more.
Identifiers: ClinVar variation 490218 (VCV000490218.21), dbSNP rs1202435147, ClinGen allele CA658683412.